The following is an entry in ClinVar:

ClinVar aggregate classification (germline): Uncertain significance. Review status: criteria provided, single submitter (1 of 4 stars). 2 submissions from 2 submitters: Uncertain significance (1). 1 of the submissions does not count toward it. Last evaluated 2023-12-26.

Conditions:
APOA1-related disorder. Also called: APOA1-related condition.

Submissions (2):

Labcorp Genetics (formerly Invitae), Labcorp
Classification: Uncertain significance. Last evaluated: 2023-12-26. Review status: criteria provided, single submitter. Criteria: Invitae Variant Classification Sherloc (09022015). Collection method: clinical testing. Allele origin: germline.
Comment: This sequence change replaces leucine, which is neutral and non-polar, with proline, which is neutral and non-polar, at codon 183 of the APOA1 protein (p.Leu183Pro). This variant is not present in population databases (gnomAD no frequency). This variant has not been reported in the literature in individuals affected with APOA1-related conditions. This variant is also known as L159P. Advanced modeling of protein sequence and biophysical properties (such as structural, functional, and spatial information, amino acid conservation, physicochemical variation, residue mobility, and thermodynamic stability) performed at Invitae indicates that this missense variant is expected to disrupt APOA1 protein function with a positive predictive value of 80%. This variant disrupts the p.Leu183 amino acid residue in APOA1. Other variant(s) that disrupt this residue have been determined to be pathogenic (PMID: 9012641, 21944998, 26363436, 30184436). This suggests that this residue is clinically significant, and that variants that disrupt this residue are likely to be disease-causing. In summary, the available evidence is currently insufficient to determine the role of this variant in disease. Therefore, it has been classified as a Variant of Uncertain Significance.

PreventionGenetics, part of Exact Sciences
Classification: Likely pathogenic for APOA1-related condition. Last evaluated: 2023-12-21. Review status: no assertion criteria provided. Collection method: clinical testing. Allele origin: germline. Not counted in ClinVar's aggregate classification.
Comment: The APOA1 c.548T>C variant is predicted to result in the amino acid substitution p.Leu183Pro. This variant has been reported in multiple related individuals with HDL deficiency relative to family members without the c.548T>C (p.Leu183Pro) variant (Figure 1, Miller et al. 1998. PubMed ID: 9714130). This variant has not been reported in a large population database, indicating this variant is rare. An alternate nucleotide substitution affecting the same amino acid (p.Leu183Arg), has been reported in multiple individuals with hypoalphalipoproteinemia (Figure 1, Miettinen et al. 1997. PubMed ID: 9012641). In vivo studies suggest the p.Leu183Arg variant increases the extent of atherosclerosis in mice expressing the variant (Sorci-Thomas et al. 2011. PubMed ID: 21944998; Tiniakou et al. 2015. PubMed ID: 26363436). This variant is interpreted as likely pathogenic.

Literature cited by the submitters: PubMed 9012641 (cited by Labcorp Genetics (formerly Invitae), Labcorp); PubMed 21944998 (cited by Labcorp Genetics (formerly Invitae), Labcorp); PubMed 26363436 (cited by Labcorp Genetics (formerly Invitae), Labcorp); PubMed 30184436 (cited by Labcorp Genetics (formerly Invitae), Labcorp).

NM_000039.3(APOA1):c.548T>C (p.Leu183Pro)

Gene: APOA1 (apolipoprotein A1; minus strand). Cytogenetic location: 11q23.3.
Variant type: single nucleotide variant.
Coding change: c.548T>C on transcript NM_000039.3 (MANE Select); coding-DNA position 548, T replaced by C.
Protein change: p.Leu183Pro; replaces leucine 183 with proline.
Molecular consequence: missense variant.
Genome position (GRCh38, 1-based): chr11:116,836,064, A>G on the plus strand (T>C on the coding strand, the complement: APOA1 is on the minus strand). VCF-style: chr11-116836064-A-G. GRCh37 (hg19) VCF-style: chr11-116706780-A-G.
Other names: c.503T>C, p.Leu168Pro (NM_001425093.1); c.548T>C, p.Leu183Pro (NM_001318017.2, NM_001318018.2, NM_001425090.1); c.221T>C, p.Leu74Pro (NM_001318021.2, NM_001425091.1, NM_001425092.1); c.548T>C (NM_000039.2); short protein forms L168P, L74P, L183P.
Identifiers: ClinVar variation 2735759 (VCV002735759.5), dbSNP rs2540288898, ClinGen allele CA382715255.